The following is an entry in ClinVar:

ClinVar aggregate classification (germline): Pathogenic (1 of 4 stars; one submission).

Conditions:
Primary ciliary dyskinesia. Also called: Ciliary dyskinesia. Identifiers: Orphanet 244, MedGen C0008780, MONDO:0016575, HP:0012265.

Submission:

Labcorp Genetics (formerly Invitae), Labcorp
Classification: Pathogenic for Primary ciliary dyskinesia. Last evaluated: 2023-02-18. Review status: criteria provided, single submitter. Criteria: Invitae Variant Classification Sherloc (09022015). Collection method: clinical testing. Allele origin: germline.
Comment: For these reasons, this variant has been classified as Pathogenic. This variant has not been reported in the literature in individuals affected with DNAH11-related conditions. This variant is not present in population databases (gnomAD no frequency). This sequence change creates a premature translational stop signal (p.Arg344Lysfs*36) in the DNAH11 gene. It is expected to result in an absent or disrupted protein product. Loss-of-function variants in DNAH11 are known to be pathogenic (PMID: 18022865, 20513915, 22184204).

Literature cited by the submitters: PubMed 18022865; PubMed 20513915; PubMed 22184204.

NM_001277115.2(DNAH11):c.1030dup (p.Arg344fs)

Gene: DNAH11 (dynein axonemal heavy chain 11; plus strand). Cytogenetic location: 7p15.3.
Variant type: Duplication.
Coding change: c.1030dup on transcript NM_001277115.2 (MANE Select); coding-DNA position 1030, one base duplicated (A; older notation c.1030dupA).
Protein change: p.Arg344fs; shifts the reading frame from arginine 344.
Molecular consequence: frameshift variant.
Genome position (GRCh38, 1-based): chr7:21,564,233, A duplicated. VCF-style (leftmost placement, unchanged base first): chr7-21564232-G-GA. GRCh37 (hg19) VCF-style: chr7-21603850-G-GA.
Other names: c.1030dup, p.Arg344Lysfs (NM_003777.3); short protein forms R344fs.
Identifiers: ClinVar variation 2838634 (VCV002838634.3), dbSNP rs2534495509, ClinGen allele CA2739265430.